The following is an entry in ClinVar:

NM_000632.4(ITGAM):c.3200T>C (p.Val1067Ala)

Gene: ITGAM (integrin subunit alpha M; plus strand). Cytogenetic location: 16p11.2.
Variant type: single nucleotide variant.
Coding change: c.3200T>C on transcript NM_000632.4 (MANE Select); coding-DNA position 3200, T replaced by C.
Protein change: p.Val1067Ala; replaces valine 1067 with alanine.
Molecular consequence: missense variant.
Genome position (GRCh38, 1-based): chr16:31,330,529, T>C. VCF-style: chr16-31330529-T-C. GRCh37 (hg19) VCF-style: chr16-31341850-T-C.
Other names: c.3203T>C, p.Val1068Ala (NM_001145808.2); short protein forms V1068A, V1067A.
Identifiers: ClinVar variation 3684138 (VCV003684138.2).

ClinVar aggregate classification (germline): Uncertain significance (1 of 4 stars; one submission).

Submission:

Labcorp Genetics (formerly Invitae), Labcorp
Classification: Uncertain significance. Last evaluated: 2024-08-21. Review status: criteria provided, single submitter. Criteria: Invitae Variant Classification Sherloc (09022015). Collection method: clinical testing. Allele origin: germline.
Comment: This sequence change replaces valine, which is neutral and non-polar, with alanine, which is neutral and non-polar, at codon 1067 of the ITGAM protein (p.Val1067Ala). This variant is not present in population databases (gnomAD no frequency). This variant has not been reported in the literature in individuals affected with ITGAM-related conditions. An algorithm developed to predict the effect of missense changes on protein structure and function (PolyPhen-2) suggests that this variant is likely to be tolerated. In summary, the available evidence is currently insufficient to determine the role of this variant in disease. Therefore, it has been classified as a Variant of Uncertain Significance.